The following is an entry in ClinVar:

ClinVar aggregate classification (germline): Uncertain significance (1 of 4 stars; one submission).

Allele frequency attached by ClinVar (database versions not stated): TOPMed below 0.00001.

Submission:

Labcorp Genetics (formerly Invitae), Labcorp
Classification: Uncertain significance. Last evaluated: 2025-03-31. Review status: criteria provided, single submitter. Criteria: Invitae Variant Classification Sherloc (09022015). Collection method: clinical testing. Allele origin: germline.
Comment: This sequence change replaces cysteine, which is neutral and slightly polar, with arginine, which is basic and polar, at codon 1131 of the EYS protein (p.Cys1131Arg). This variant is not present in population databases (gnomAD no frequency). This variant has not been reported in the literature in individuals affected with EYS-related conditions. ClinVar contains an entry for this variant (Variation ID: 1503953). Invitae Evidence Modeling of protein sequence and biophysical properties (such as structural, functional, and spatial information, amino acid conservation, physicochemical variation, residue mobility, and thermodynamic stability) indicates that this missense variant is not expected to disrupt EYS protein function with a negative predictive value of 80%. In summary, the available evidence is currently insufficient to determine the role of this variant in disease. Therefore, it has been classified as a Variant of Uncertain Significance.

NM_001142800.2(EYS):c.3391T>C (p.Cys1131Arg)

Gene: EYS (EGF-like photoreceptor maintenance factor; minus strand). Cytogenetic location: 6q12.
Variant type: single nucleotide variant.
Coding change: c.3391T>C on transcript NM_001142800.2 (MANE Select); coding-DNA position 3391, T replaced by C.
Protein change: p.Cys1131Arg; replaces cysteine 1131 with arginine.
Molecular consequence: missense variant.
Genome position (GRCh38, 1-based): chr6:64,813,430, A>G on the plus strand (T>C on the coding strand, the complement: EYS is on the minus strand). VCF-style: chr6-64813430-A-G. GRCh37 (hg19) VCF-style: chr6-65523323-A-G.
Other names: c.3391T>C, p.Cys1131Arg (NM_001292009.2); short protein forms C1131R.
Identifiers: ClinVar variation 1503953 (VCV001503953.8), dbSNP rs1764656337, ClinGen allele CA364786780.